The following is an entry in ClinVar:

NM_001367479.1(DNAH14):c.13604G>A (p.Cys4535Tyr)

Gene: DNAH14 (dynein axonemal heavy chain 14; plus strand). Cytogenetic location: 1q42.12.
Variant type: single nucleotide variant.
Coding change: c.13604G>A on transcript NM_001367479.1 (MANE Select); coding-DNA position 13604, G replaced by A.
Protein change: p.Cys4535Tyr; replaces cysteine 4535 with tyrosine.
Molecular consequence: missense variant.
Genome position (GRCh38, 1-based): chr1:225,398,632, G>A. VCF-style: chr1-225398632-G-A. GRCh37 (hg19) VCF-style: chr1-225586334-G-A.
Other names: NM_001373.1:c.13298G>A; short protein forms C4535Y.
Identifiers: ClinVar variation 2576793 (VCV002576793.1), dbSNP rs2527723369, ClinGen allele CA344991014.

ClinVar aggregate classification (germline): Uncertain significance (1 of 4 stars; one submission).

Submission:

GeneDx
Classification: Uncertain significance. Last evaluated: 2023-02-18. Review status: criteria provided, single submitter. Criteria: GeneDx Variant Classification Process June 2021. Collection method: clinical testing. Allele origin: germline. Affected: yes.
Comment: Not observed at significant frequency in large population cohorts (gnomAD); In silico analysis supports that this missense variant has a deleterious effect on protein structure/function; Has not been previously published as pathogenic or benign to our knowledge